The following is an entry in ClinVar:

NM_001903.5(CTNNA1):c.143C>T (p.Ser48Phe)

Gene: CTNNA1 (catenin alpha 1; plus strand). Cytogenetic location: 5q31.2.
Variant type: single nucleotide variant.
Coding change: c.143C>T on transcript NM_001903.5 (MANE Select); coding-DNA position 143, C replaced by T.
Protein change: p.Ser48Phe; replaces serine 48 with phenylalanine.
Molecular consequence: missense variant. On other transcripts: 5 prime UTR variant (1), intron variant (1).
Genome position (GRCh38, 1-based): chr5:138,783,214, C>T. VCF-style: chr5-138783214-C-T. GRCh37 (hg19) VCF-style: chr5-138118903-C-T.
Other names: c.143C>T, p.Ser48Phe (NM_001290307.3, NM_001323982.2, NM_001323983.1 and 3 more transcripts); c.-64C>T (NM_001290310.3); c.-9+1185C>T (NM_001290309.3); short protein forms S48F.
Identifiers: ClinVar variation 659831 (VCV000659831.12), dbSNP rs1580984089, ClinGen allele CA361477339.

ClinVar aggregate classification (germline): Uncertain significance. Review status: criteria provided, multiple submitters, no conflicts (2 of 4 stars). 2 submissions from 2 submitters: Uncertain significance (2). Last evaluated 2024-10-24.

Conditions:
Hereditary cancer-predisposing syndrome. Also called: Hereditary neoplastic syndrome; Neoplastic Syndromes, Hereditary; Hereditary Cancer Syndrome; Tumor predisposition. Identifiers: Orphanet 140162, MedGen C0027672, MeSH D009386, MONDO:0015356.

Submissions (2):

Ambry Genetics
Classification: Uncertain significance for Hereditary cancer-predisposing syndrome. Last evaluated: 2024-10-24. Review status: criteria provided, single submitter. Criteria: Ambry Variant Classification Scheme 2023. Collection method: clinical testing. Allele origin: germline.
Comment: The p.S48F variant (also known as c.143C>T), located in coding exon 2 of the CTNNA1 gene, results from a C to T substitution at nucleotide position 143. The serine at codon 48 is replaced by phenylalanine, an amino acid with highly dissimilar properties. This amino acid position is highly conserved in available vertebrate species. In addition, the in silico prediction for this alteration is inconclusive. The evidence for this gene-disease relationship is limited; therefore, the clinical significance of this alteration is unclear.

Labcorp Genetics (formerly Invitae), Labcorp
Classification: Uncertain significance. Last evaluated: 2022-08-19. Review status: criteria provided, single submitter. Criteria: Invitae Variant Classification Sherloc (09022015). Collection method: clinical testing. Allele origin: germline.
Comment: ClinVar contains an entry for this variant (Variation ID: 659831). This variant has not been reported in the literature in individuals affected with CTNNA1-related conditions. This variant is not present in population databases (gnomAD no frequency). This sequence change replaces serine, which is neutral and polar, with phenylalanine, which is neutral and non-polar, at codon 48 of the CTNNA1 protein (p.Ser48Phe). In summary, the available evidence is currently insufficient to determine the role of this variant in disease. Therefore, it has been classified as a Variant of Uncertain Significance. Algorithms developed to predict the effect of missense changes on protein structure and function are either unavailable or do not agree on the potential impact of this missense change (SIFT: "Deleterious"; PolyPhen-2: "Probably Damaging"; Align-GVGD: "Class C15").